The following is an entry in ClinVar:

ClinVar aggregate classification (germline): Uncertain significance (1 of 4 stars; one submission).

Conditions:
Charcot-Marie-Tooth Neuropathy X. Identifiers: MedGen CN118851.
Combined oxidative phosphorylation deficiency. Identifiers: MedGen C4540031, MONDO:0000732.

Submission:

Labcorp Genetics (formerly Invitae), Labcorp
Classification: Uncertain significance for Charcot-Marie-Tooth Neuropathy X; Combined oxidative phosphorylation deficiency. Last evaluated: 2022-07-04. Review status: criteria provided, single submitter. Criteria: Invitae Variant Classification Sherloc (09022015). Collection method: clinical testing. Allele origin: germline.
Comment: In summary, the available evidence is currently insufficient to determine the role of this variant in disease. Therefore, it has been classified as a Variant of Uncertain Significance. Variants that disrupt the consensus splice site are a relatively common cause of aberrant splicing (PMID: 17576681, 9536098). Algorithms developed to predict the effect of sequence changes on RNA splicing suggest that this variant may create or strengthen a splice site. This variant has not been reported in the literature in individuals affected with AIFM1-related conditions. This variant is not present in population databases (gnomAD no frequency). This sequence change falls in intron 4 of the AIFM1 gene. It does not directly change the encoded amino acid sequence of the AIFM1 protein. It affects a nucleotide within the consensus splice site.

Literature cited by the submitters: PubMed 17576681; PubMed 9536098.

NM_004208.4(AIFM1):c.474+3A>G

Genes: AIFM1 (apoptosis inducing factor mitochondria associated 1; minus strand), RAB33A (RAB33A, member RAS oncogene family; plus strand). Cytogenetic location: Xq26.1.
Variant type: single nucleotide variant.
Coding change: c.474+3A>G on transcript NM_004208.4 (MANE Select); 3 bases into the intron after coding-DNA position 474, A replaced by G.
Molecular consequence: intron variant.
Genome position (GRCh38, 1-based): chrX:130,147,749, T>C on the plus strand (A>G on the coding strand, the complement: AIFM1 is on the minus strand). VCF-style: chrX-130147749-T-C. GRCh37 (hg19) VCF-style: chrX-129281724-T-C.
Other names: c.462+3A>G (NM_145812.3); c.474+3A>G (NM_001130847.4).
Identifiers: ClinVar variation 2013990 (VCV002013990.4), dbSNP rs2523146418, ClinGen allele CA2580101506.